The following is an entry in ClinVar:

NM_001384474.1(LOXHD1):c.1431+10G>T

Gene: LOXHD1 (lipoxygenase homology PLAT domains 1; minus strand). Cytogenetic location: 18q21.1.
Variant type: single nucleotide variant.
Coding change: c.1431+10G>T on transcript NM_001384474.1 (MANE Select); 10 bases into the intron after coding-DNA position 1431, G replaced by T.
Molecular consequence: intron variant.
Genome position (GRCh38, 1-based): chr18:46,593,590, C>A on the plus strand (G>T on the coding strand, the complement: LOXHD1 is on the minus strand). VCF-style: chr18-46593590-C-A. GRCh37 (hg19) VCF-style: chr18-44173553-C-A.
Other names: c.1431+10G>T (NM_144612.7).
Identifiers: ClinVar variation 163932 (VCV000163932.22), dbSNP rs57330753, ClinGen allele CA176656.

ClinVar aggregate classification (germline): Conflicting classifications of pathogenicity. Review status: criteria provided, conflicting classifications (1 of 4 stars). 6 submissions from 6 submitters: Uncertain significance (1); Benign (3); Likely benign (1). 1 of the submissions does not count toward it. Last evaluated 2026-02-04.

Conditions:
Autosomal recessive nonsyndromic hearing loss 77. Identifiers: Orphanet 90636, MedGen C2746083, MONDO:0013119, OMIM 613079.

Allele frequency attached by ClinVar (database versions not stated): gnomAD exomes 0.00059 and 0.00139; ExAC 0.00281; gnomAD 0.00610 and 0.00648; 1000 Genomes Project 0.00679; TOPMed 0.00686; ESP Exome Variant Server 0.00701; 1000 Genomes Project 30x 0.00734.
gnomAD v4.1: 1,773 of 1,552,124 alleles (0.11%); highest among the groups gnomAD compares: African/African-American, 2.2%; 19 homozygotes.

Submissions (6):

Labcorp Genetics (formerly Invitae), Labcorp
Classification: Benign. Last evaluated: 2026-02-04. Review status: criteria provided, single submitter. Criteria: Invitae Variant Classification Sherloc (09022015). Collection method: clinical testing. Allele origin: germline.

Blueprint Genetics
Classification: Likely benign. Last evaluated: 2024-10-22. Review status: criteria provided, single submitter. Criteria: ACMG Guidelines, 2015. Collection method: clinical testing. Allele origin: germline.

GeneDx
Classification: Benign. Last evaluated: 2018-09-06. Review status: criteria provided, single submitter. Criteria: GeneDx Variant Classification Process June 2021. Collection method: clinical testing. Allele origin: germline. Affected: yes.

Illumina Laboratory Services, Illumina
Classification: Uncertain significance for Autosomal recessive nonsyndromic hearing loss 77. Last evaluated: 2018-01-13. Review status: criteria provided, single submitter. Criteria: ICSL Variant Classification Criteria 13 December 2019. Collection method: clinical testing. Allele origin: germline.

Laboratory for Molecular Medicine, Mass General Brigham Personalized Medicine
Classification: Benign. Last evaluated: 2012-05-07. Review status: criteria provided, single submitter. Criteria: LMM Criteria. Collection method: clinical testing. Allele origin: germline. Observed: 4 variant alleles.
Comment: 1431+10G>T in Intron 10 of LOXHD1: This variant is not expected to have clinical significance because it is not located within the conserved splice consensus se quence and has been identified in 1.4% (10/702) of African American chromosomes from a broad population by the NHLBI Exome Sequencing Project (dbSNP rs57330753).

Natera, Inc.
Classification: Benign for Autosomal recessive deafness type 77. Last evaluated: 2020-09-16. Review status: no assertion criteria provided. Collection method: clinical testing. Allele origin: germline. Not counted in ClinVar's aggregate classification.